The following is an entry in ClinVar:

ClinVar aggregate classification (germline): Likely benign. Review status: criteria provided, multiple submitters, no conflicts (2 of 4 stars). 3 submissions from 3 submitters: Likely benign (2). 1 of the submissions does not count toward it. Last evaluated 2024-12-30.

Conditions:
BBS1-related disorder. Also called: BBS1-related condition.
Bardet-Biedl syndrome (BBS). Identifiers: Orphanet 110, MedGen C0752166, MONDO:0015229.

Allele frequency attached by ClinVar (database versions not stated): gnomAD 0.00001; TOPMed 0.00001; gnomAD exomes 0.00002.
gnomAD v4.1: 35 of 1,614,018 alleles (0.0022%); highest among the groups gnomAD compares: Middle Eastern, 0.033%; no homozygotes.

Submissions (3):

Labcorp Genetics (formerly Invitae), Labcorp
Classification: Likely benign for Bardet-Biedl syndrome. Last evaluated: 2024-12-30. Review status: criteria provided, single submitter. Criteria: Invitae Variant Classification Sherloc (09022015). Collection method: clinical testing. Allele origin: germline.

Blueprint Genetics
Classification: Likely benign. Last evaluated: 2023-05-11. Review status: criteria provided, single submitter. Criteria: ACMG Guidelines, 2015. Collection method: clinical testing. Allele origin: germline.

PreventionGenetics, part of Exact Sciences
Classification: Likely benign for BBS1-related condition. Last evaluated: 2019-10-15. Review status: no assertion criteria provided. Collection method: clinical testing. Allele origin: germline. Not counted in ClinVar's aggregate classification.
Comment: This variant is classified as likely benign based on ACMG/AMP sequence variant interpretation guidelines (Richards et al. 2015 PMID: 25741868, with internal and published modifications).

NM_024649.5(BBS1):c.1143C>T (p.Tyr381=)

Genes: ZDHHC24 (zDHHC palmitoyltransferase 24; minus strand), BBS1 (Bardet-Biedl syndrome 1; plus strand). Cytogenetic location: 11q13.2.
Variant type: single nucleotide variant.
Coding change: c.1143C>T on transcript NM_024649.5 (MANE Select); coding-DNA position 1143, C replaced by T.
Protein change: p.Tyr381=; no amino-acid change (tyrosine 381 retained).
Molecular consequence: synonymous variant. On other transcripts: intron variant (1).
Genome position (GRCh38, 1-based): chr11:66,526,155, C>T. VCF-style: chr11-66526155-C-T. GRCh37 (hg19) VCF-style: chr11-66293626-C-T.
Other names: c.*21+781G>A (NM_001348571.2).
Identifiers: ClinVar variation 1154964 (VCV001154964.10), dbSNP rs1021331909, ClinGen allele CA224047128.